The following is an entry in ClinVar:

ClinVar aggregate classification (germline): Uncertain significance. Review status: criteria provided, multiple submitters, no conflicts (2 of 4 stars). 2 submissions from 2 submitters: Uncertain significance (2). Last evaluated 2024-03-15.

Allele frequency attached by ClinVar (database versions not stated): gnomAD exomes 0.00002; TOPMed 0.00002; gnomAD 0.00003.
gnomAD v4.1: 29 of 1,613,930 alleles (0.0018%); highest among the groups gnomAD compares: Non-Finnish European, 0.0023%; no homozygotes.

Submissions (2):

Blueprint Genetics
Classification: Uncertain significance. Last evaluated: 2024-03-15. Review status: criteria provided, single submitter. Criteria: ACMG Guidelines, 2015. Collection method: clinical testing. Allele origin: germline.

Labcorp Genetics (formerly Invitae), Labcorp
Classification: Uncertain significance. Last evaluated: 2023-12-09. Review status: criteria provided, single submitter. Criteria: Invitae Variant Classification Sherloc (09022015). Collection method: clinical testing. Allele origin: germline.
Comment: This sequence change replaces alanine, which is neutral and non-polar, with threonine, which is neutral and polar, at codon 1049 of the TRPM1 protein (p.Ala1049Thr). This variant is present in population databases (no rsID available, gnomAD 0.004%). This missense change has been observed in individual(s) with congenital stationary night blindness and/or early-onset high myopia (PMID: 27803854, 33691579). In at least one individual the data is consistent with being in trans (on the opposite chromosome) from a pathogenic variant. This variant is also known as p.Ala1088Thr. ClinVar contains an entry for this variant (Variation ID: 1411016). Advanced modeling of protein sequence and biophysical properties (such as structural, functional, and spatial information, amino acid conservation, physicochemical variation, residue mobility, and thermodynamic stability) performed at Invitae indicates that this missense variant is not expected to disrupt TRPM1 protein function with a negative predictive value of 95%. In summary, the available evidence is currently insufficient to determine the role of this variant in disease. Therefore, it has been classified as a Variant of Uncertain Significance.

Literature cited by the submitters: PubMed 27803854 (cited by Labcorp Genetics (formerly Invitae), Labcorp); PubMed 33691579 (cited by Labcorp Genetics (formerly Invitae), Labcorp).

NM_001252024.2(TRPM1):c.3211G>A (p.Ala1071Thr)

Genes: TRPM1 (transient receptor potential cation channel subfamily M member 1; minus strand), TRPM1-AS1 (TRPM1 antisense RNA 1; plus strand). Cytogenetic location: 15q13.3.
Variant type: single nucleotide variant.
Coding change: c.3211G>A on transcript NM_001252024.2 (MANE Select); coding-DNA position 3211, G replaced by A.
Protein change: p.Ala1071Thr; replaces alanine 1071 with threonine.
Molecular consequence: missense variant.
Genome position (GRCh38, 1-based): chr15:31,028,414, C>T on the plus strand (G>A on the coding strand, the complement: TRPM1 is on the minus strand). VCF-style: chr15-31028414-C-T. GRCh37 (hg19) VCF-style: chr15-31320617-C-T.
Other names: c.3262G>A, p.Ala1088Thr (NM_001252020.2); c.3145G>A, p.Ala1049Thr (NM_002420.6); short protein forms A1049T, A1088T, A1071T.
Identifiers: ClinVar variation 1411016 (VCV001411016.8), dbSNP rs1192749863, ClinGen allele CA391543884.